The following is an entry in ClinVar:

NM_001267550.2(TTN):c.48271G>A (p.Val16091Ile)

Genes: TTN (titin; minus strand), TTN-AS1 (TTN antisense RNA 1; plus strand). Cytogenetic location: 2q31.2.
Variant type: single nucleotide variant.
Coding change: c.48271G>A on transcript NM_001267550.2 (MANE Select); coding-DNA position 48271, G replaced by A.
Protein change: p.Val16091Ile; replaces valine 16091 with isoleucine.
Molecular consequence: missense variant.
Genome position (GRCh38, 1-based): chr2:178,616,520, C>T on the plus strand (G>A on the coding strand, the complement: TTN is on the minus strand). VCF-style: chr2-178616520-C-T. GRCh37 (hg19) VCF-style: chr2-179481247-C-T.
Other names: p.V13523I:GTT>ATT; c.43348G>A, p.Val14450Ile (NM_001256850.1); c.21076G>A, p.Val7026Ile (NM_003319.4); c.40567G>A, p.Val13523Ile (NM_133378.4); c.21451G>A, p.Val7151Ile (NM_133432.3); c.21652G>A, p.Val7218Ile (NM_133437.4); short protein forms V13523I, V16091I, V14450I, V7151I, V7026I, V7218I.
Identifiers: ClinVar variation 202305 (VCV000202305.6), dbSNP rs369143612, ClinGen allele CA309031.

ClinVar aggregate classification (germline): Conflicting classifications of pathogenicity. Review status: criteria provided, conflicting classifications (1 of 4 stars). 3 submissions from 3 submitters: Uncertain significance (1); Likely benign (2). Last evaluated 2026-07-01.

Conditions:
TTN-related disorder. Also called: TTN-related disorders; TTN-related condition; TTN-related disease.
Cardiovascular phenotype. Identifiers: MedGen CN230736.

Allele frequency attached by ClinVar (database versions not stated): gnomAD exomes 0.00004 and 0.00001; ExAC 0.00005; ESP Exome Variant Server 0.00008; TOPMed 0.00003; gnomAD 0.00006.
gnomAD v4.1: 17 of 1,612,350 alleles (0.0011%); highest among the groups gnomAD compares: African/African-American, 0.011%; no homozygotes.

Submissions (3):

PreventionGenetics, part of Exact Sciences
Classification: Uncertain significance for TTN-related condition. Last evaluated: 2026-07-01. Review status: criteria provided, single submitter. Criteria: ACMG Guidelines, 2015. Collection method: clinical testing. Allele origin: germline.
Comment: The TTN c.48271G>A variant is predicted to result in the amino acid substitution p.Val16091Ile. To our knowledge, this variant has not been reported in the literature. This variant is reported in 0.025% of alleles in individuals of African descent in gnomAD. At this time, the clinical significance of this variant is uncertain due to the absence of conclusive functional and genetic evidence.

Ambry Genetics
Classification: Likely benign for Cardiovascular phenotype. Last evaluated: 2019-05-28. Review status: criteria provided, single submitter. Criteria: Ambry Variant Classification Scheme 2023. Collection method: clinical testing. Allele origin: germline.

GeneDx
Classification: Likely benign. Last evaluated: 2012-10-18. Review status: criteria provided, single submitter. Criteria: GeneDx Variant Classification (06012015). Collection method: clinical testing. Allele origin: germline. Affected: yes.
Comment: This variant is considered likely benign or benign based on one or more of the following criteria: it is a conservative change, it occurs at a poorly conserved position in the protein, it is predicted to be benign by multiple in silico algorithms, and/or has population frequency not consistent with disease.